The following is an entry in ClinVar:

ClinVar aggregate classification (germline): Likely benign (1 of 4 stars; one submission).

Submission:

CeGaT Center for Human Genetics Tuebingen
Classification: Likely benign. Last evaluated: 2022-09-01. Review status: criteria provided, single submitter. Criteria: CeGaT Center For Human Genetics Tuebingen Variant Classification Criteria Version 2. Collection method: clinical testing. Allele origin: germline. Affected: yes. Observed: 1 variant allele.
Comment: DYNC1H1: PM2:Supporting, BP4, BP7

NM_001376.5(DYNC1H1):c.8280A>C (p.Pro2760=)

Gene: DYNC1H1 (dynein cytoplasmic 1 heavy chain 1; plus strand). Cytogenetic location: 14q32.31.
Variant type: single nucleotide variant.
Coding change: c.8280A>C on transcript NM_001376.5 (MANE Select); coding-DNA position 8280, A replaced by C.
Protein change: p.Pro2760=; no amino-acid change (proline 2760 retained).
Molecular consequence: synonymous variant.
Genome position (GRCh38, 1-based): chr14:102,018,553, A>C. VCF-style: chr14-102018553-A-C. GRCh37 (hg19) VCF-style: chr14-102484890-A-C.
Identifiers: ClinVar variation 2644568 (VCV002644568.24), dbSNP rs2152583801, ClinGen allele CA487964440.